The following is an entry in ClinVar:

NM_001048174.2(MUTYH):c.1507_1509del (p.Asn503del)

Gene: MUTYH (mutY DNA glycosylase; minus strand). Cytogenetic location: 1p34.1.
Variant type: Deletion.
Coding change: c.1507_1509del on transcript NM_001048174.2 (MANE Select); coding-DNA positions 1507 to 1509, 3 bases deleted (AAT; older notation c.1507_1509delAAT).
Protein change: p.Asn503del; deletes asparagine 503.
Molecular consequence: inframe deletion. On other transcripts: non-coding transcript variant (2).
Genome position (GRCh38, 1-based): chr1:45,329,363-45,329,365, ATT deleted on the plus strand (AAT on the coding strand, the reverse complement: MUTYH is on the minus strand); deleting any 3 consecutive bases within chr1:45,329,363-45,329,367 gives the same sequence; the c. name uses the placement nearest the transcript's 3' end. VCF-style (leftmost placement, unchanged base first): chr1-45329362-AATT-A. GRCh37 (hg19) VCF-style: chr1-45795034-AATT-A.
Other names: c.1231_1233del, p.Asn411del (NM_001293196.2, NM_001293192.2); c.1162_1164del, p.Asn388del (NM_001350650.2, NM_001350651.2); c.1582_1584del, p.Asn528del (NM_012222.3); c.1591_1593delAAT (NM_001128425.1); c.1507_1509del, p.Asn503del (NM_001048171.2, NM_001048173.2, NM_001293195.2); c.1510_1512del, p.Asn504del (NM_001048172.2); c.1591_1593del, p.Asn531del (NM_001128425.2); c.1552_1554del, p.Asn518del (NM_001293190.2); and 1 more; short protein forms N388del, N411del, N531del, N504del, N528del, N503del, N514del, N518del.
Identifiers: ClinVar variation 630872 (VCV000630872.12), dbSNP rs1557444203, ClinGen allele CA913187517.

ClinVar aggregate classification (germline): Uncertain significance. Review status: criteria provided, multiple submitters, no conflicts (2 of 4 stars). 2 submissions from 2 submitters: Uncertain significance (2). Last evaluated 2025-04-17.

Conditions:
Familial adenomatous polyposis 2. Also called: COLORECTAL ADENOMATOUS POLYPOSIS, AUTOSOMAL RECESSIVE; ADENOMAS, MULTIPLE COLORECTAL, AUTOSOMAL RECESSIVE; MUTYH-associated polyposis; MUTYH-related attenuated familial adenomatous polyposis; MUTYH Polyposis; Adenomas, multiple colorectal. Identifiers: Orphanet 220460, Orphanet 247798, MedGen C3272841, MONDO:0012041, OMIM 608456.
Hereditary cancer-predisposing syndrome. Also called: Neoplastic Syndromes, Hereditary; Hereditary Cancer Syndrome; Tumor predisposition; Hereditary neoplastic syndrome. Identifiers: Orphanet 140162, MedGen C0027672, MeSH D009386, MONDO:0015356.

Submissions (2):

Labcorp Genetics (formerly Invitae), Labcorp
Classification: Uncertain significance for Familial adenomatous polyposis 2. Last evaluated: 2025-04-17. Review status: criteria provided, single submitter. Criteria: Invitae Variant Classification Sherloc (09022015). Collection method: clinical testing. Allele origin: germline.
Comment: This variant, c.1591_1593del, results in the deletion of 1 amino acid(s) of the MUTYH protein (p.Asn531del), but otherwise preserves the integrity of the reading frame. This variant is not present in population databases (gnomAD no frequency). This variant has not been reported in the literature in individuals affected with MUTYH-related conditions. ClinVar contains an entry for this variant (Variation ID: 630872). Experimental studies and prediction algorithms are not available or were not evaluated, and the functional significance of this variant is currently unknown. In summary, the available evidence is currently insufficient to determine the role of this variant in disease. Therefore, it has been classified as a Variant of Uncertain Significance.

Color Diagnostics, LLC DBA Color Health
Classification: Uncertain significance for Hereditary cancer-predisposing syndrome. Last evaluated: 2019-04-22. Review status: criteria provided, single submitter. Criteria: ACMG Guidelines, 2015. Collection method: clinical testing. Allele origin: germline.